The following is an entry in ClinVar:

NM_003477.3(PDHX):c.1023+18A>G

Gene: PDHX (pyruvate dehydrogenase complex component X; plus strand). Cytogenetic location: 11p13.
Variant type: single nucleotide variant.
Coding change: c.1023+18A>G on transcript NM_003477.3 (MANE Select); 18 bases into the intron after coding-DNA position 1023, A replaced by G.
Molecular consequence: intron variant.
Genome position (GRCh38, 1-based): chr11:34,978,200, A>G. VCF-style: chr11-34978200-A-G. GRCh37 (hg19) VCF-style: chr11-34999747-A-G.
Other names: c.843+18A>G (NM_001135024.2); c.343-6370A>G (NM_001166158.2).
Identifiers: ClinVar variation 214957 (VCV000214957.10), dbSNP rs11032962, ClinGen allele CA322813.

ClinVar aggregate classification (germline): Benign. Review status: criteria provided, multiple submitters, no conflicts (2 of 4 stars). 2 submissions from 2 submitters: Benign (2). Last evaluated 2026-02-04.

Allele frequency attached by ClinVar (database versions not stated): ExAC 0.00470; 1000 Genomes Project 0.01518; 1000 Genomes Project 30x 0.01624; TOPMed 0.01634; ESP Exome Variant Server 0.01640.
gnomAD v4.1: 3,983 of 1,402,750 alleles (0.28%); highest among the groups gnomAD compares: African/African-American, 4.7%; 82 homozygotes.

Submissions (2):

Labcorp Genetics (formerly Invitae), Labcorp
Classification: Benign. Last evaluated: 2026-02-04. Review status: criteria provided, single submitter. Criteria: Invitae Variant Classification Sherloc (09022015). Collection method: clinical testing. Allele origin: germline.

GeneDx
Classification: Benign. Last evaluated: 2014-11-14. Review status: criteria provided, single submitter. Criteria: GeneDx Variant Classification (06012015). Collection method: clinical testing. Allele origin: germline. Affected: yes.
Comment: This variant is considered likely benign or benign based on one or more of the following criteria: it is a conservative change, it occurs at a poorly conserved position in the protein, it is predicted to be benign by multiple in silico algorithms, and/or has population frequency not consistent with disease.